The following is an entry in ClinVar:

ClinVar aggregate classification (germline): Uncertain significance (1 of 4 stars; one submission).

Submission:

Women's Health and Genetics/Laboratory Corporation of America, LabCorp
Classification: Uncertain significance. Last evaluated: 2025-03-10. Review status: criteria provided, single submitter. Criteria: LabCorp Variant Classification Summary - May 2015. Collection method: clinical testing. Allele origin: germline.
Comment: Variant summary: CFH c.2047G>C (p.Val683Leu) results in a conservative amino acid change in the encoded protein sequence. Five of five in-silico tools predict a benign effect of the variant on protein function. The variant was absent in 250560 control chromosomes. The available data on variant occurrences in the general population are insufficient to allow any conclusion about variant significance. To our knowledge, no occurrence of c.2047G>C in individuals affected with CFH-Related Disorders and no experimental evidence demonstrating its impact on protein function have been reported. No submitters have cited clinical-significance assessments for this variant to ClinVar. Based on the evidence outlined above, the variant was classified as uncertain significance.

NM_000186.4(CFH):c.2047G>C (p.Val683Leu)

Gene: CFH (complement factor H; plus strand). Cytogenetic location: 1q31.3.
Variant type: single nucleotide variant.
Coding change: c.2047G>C on transcript NM_000186.4 (MANE Select); coding-DNA position 2047, G replaced by C.
Protein change: p.Val683Leu; replaces valine 683 with leucine.
Molecular consequence: missense variant.
Genome position (GRCh38, 1-based): chr1:196,726,643, G>C. VCF-style: chr1-196726643-G-C. GRCh37 (hg19) VCF-style: chr1-196695773-G-C.
Other names: short protein forms V683L.
Identifiers: ClinVar variation 3895749 (VCV003895749.1).